The following is an entry in ClinVar:

ClinVar aggregate classification (germline): Uncertain significance (1 of 4 stars; one submission).

Conditions:
Glycogen storage disease IXc (GSD9C). Also called: GSD IXc. Identifiers: Orphanet 264580, MedGen C2751643, MONDO:0013091, OMIM 613027.

Allele frequency attached by ClinVar (database versions not stated): gnomAD 0.00001; gnomAD exomes 0.00001; TOPMed 0.00001.
gnomAD v4.1: 13 of 1,613,308 alleles (0.00081%); highest among the groups gnomAD compares: African/African-American, 0.0013%; no homozygotes.

Submission:

Labcorp Genetics (formerly Invitae), Labcorp
Classification: Uncertain significance for Glycogen storage disease IXc. Last evaluated: 2022-05-15. Review status: criteria provided, single submitter. Criteria: Invitae Variant Classification Sherloc (09022015). Collection method: clinical testing. Allele origin: germline.
Comment: This sequence change replaces arginine, which is basic and polar, with glutamine, which is neutral and polar, at codon 111 of the PHKG2 protein (p.Arg111Gln). This variant is present in population databases (no rsID available, gnomAD 0.01%). This variant has not been reported in the literature in individuals affected with PHKG2-related conditions. Algorithms developed to predict the effect of missense changes on protein structure and function are either unavailable or do not agree on the potential impact of this missense change (SIFT: "Deleterious"; PolyPhen-2: "Benign"; Align-GVGD: "Class C0"). In summary, the available evidence is currently insufficient to determine the role of this variant in disease. Therefore, it has been classified as a Variant of Uncertain Significance.

NM_000294.3(PHKG2):c.332G>A (p.Arg111Gln)

Gene: PHKG2 (phosphorylase kinase catalytic subunit gamma 2; plus strand). Cytogenetic location: 16p11.2.
Variant type: single nucleotide variant.
Coding change: c.332G>A on transcript NM_000294.3 (MANE Select); coding-DNA position 332, G replaced by A.
Protein change: p.Arg111Gln; replaces arginine 111 with glutamine.
Molecular consequence: missense variant.
Genome position (GRCh38, 1-based): chr16:30,753,237, G>A. VCF-style: chr16-30753237-G-A. GRCh37 (hg19) VCF-style: chr16-30764558-G-A.
Other names: c.332G>A, p.Arg111Gln (NM_001172432.2); short protein forms R111Q.
Identifiers: ClinVar variation 2416204 (VCV002416204.3), dbSNP rs1020156539, ClinGen allele CA280537141.